The following is an entry in ClinVar:

NM_001033855.3(DCLRE1C):c.1865C>T (p.Thr622Ile)

Gene: DCLRE1C (DNA cross-link repair 1C; minus strand). Cytogenetic location: 10p13.
Variant type: single nucleotide variant.
Coding change: c.1865C>T on transcript NM_001033855.3 (MANE Select); coding-DNA position 1865, C replaced by T.
Protein change: p.Thr622Ile; replaces threonine 622 with isoleucine.
Molecular consequence: missense variant. On other transcripts: non-coding transcript variant (3), intron variant (3).
Genome position (GRCh38, 1-based): chr10:14,908,622, G>A on the plus strand (C>T on the coding strand, the complement: DCLRE1C is on the minus strand). VCF-style: chr10-14908622-G-A. GRCh37 (hg19) VCF-style: chr10-14950621-G-A.
Other names: p.Thr622Ile; c.1505C>T, p.Thr502Ile (NM_001033857.3, NM_001033858.3, NM_001289077.2 and 1 more transcripts); c.1520C>T, p.Thr507Ile (NM_001289076.2, NM_001289078.2, NM_022487.4); c.1437+83C>T (NM_001350966.2); c.1782+83C>T (NM_001350965.2); c.1422+83C>T (NM_001350967.2); short protein forms T622I, T502I, T507I.
Identifiers: ClinVar variation 966820 (VCV000966820.11), dbSNP rs759929745, ClinGen allele CA5416388.

ClinVar aggregate classification (germline): Uncertain significance. Review status: criteria provided, multiple submitters, no conflicts (2 of 4 stars). 3 submissions from 3 submitters: Uncertain significance (2). 1 of the submissions does not count toward it. Last evaluated 2026-01-26.

Conditions:
Athabaskan severe combined immunodeficiency (SCIDA). Also called: Severe combined immunodeficiency, athabascan-type. Identifiers: MedGen C1865370.
Severe combined immunodeficiency due to DCLRE1C deficiency (RS-SCID). Also called: SCID, AUTOSOMAL RECESSIVE, T CELL-NEGATIVE, B CELL-NEGATIVE, NK CELL-POSITIVE, WITH SENSITIVITY TO IONIZING RADIATION. Identifiers: Orphanet 275, MedGen C1865371, MONDO:0011225, OMIM 602450.

Allele frequency attached by ClinVar (database versions not stated): ExAC 0.00001; gnomAD exomes 0.00002; gnomAD 0.00004; TOPMed 0.00002.
gnomAD v4.1: 23 of 1,614,016 alleles (0.0014%); highest among the groups gnomAD compares: African/African-American, 0.0027%; no homozygotes.

Submissions (3):

Labcorp Genetics (formerly Invitae), Labcorp
Classification: Uncertain significance for Athabaskan severe combined immunodeficiency. Last evaluated: 2026-01-26. Review status: criteria provided, single submitter. Criteria: Invitae Variant Classification Sherloc (09022015). Collection method: clinical testing. Allele origin: germline.
Comment: This sequence change replaces threonine, which is neutral and polar, with isoleucine, which is neutral and non-polar, at codon 622 of the DCLRE1C protein (p.Thr622Ile). This variant is present in population databases (rs759929745, gnomAD 0.004%). This variant has not been reported in the literature in individuals affected with DCLRE1C-related conditions. ClinVar contains an entry for this variant (Variation ID: 966820). An algorithm developed to predict the effect of missense changes on protein structure and function outputs the following: PolyPhen-2: "Benign". The isoleucine amino acid residue is found in multiple mammalian species, which suggests that this missense change does not adversely affect protein function. In summary, the available evidence is currently insufficient to determine the role of this variant in disease. Therefore, it has been classified as a Variant of Uncertain Significance.

Mayo Clinic Laboratories, Mayo Clinic
Classification: Uncertain significance. Last evaluated: 2021-08-04. Review status: criteria provided, single submitter. Criteria: ACMG Guidelines, 2015. Collection method: clinical testing. Allele origin: germline.

Natera, Inc.
Classification: Uncertain significance for Athabascan severe combined immunodeficiency. Last evaluated: 2020-08-15. Review status: no assertion criteria provided. Collection method: clinical testing. Allele origin: germline. Not counted in ClinVar's aggregate classification.